The following is an entry in ClinVar:

NM_000494.4(COL17A1):c.2398+2T>C

Gene: COL17A1 (collagen type XVII alpha 1 chain; minus strand). Cytogenetic location: 10q25.1.
Variant type: single nucleotide variant.
Coding change: c.2398+2T>C on transcript NM_000494.4 (MANE Select); the canonical splice donor site of the intron after coding-DNA position 2398, T replaced by C.
Molecular consequence: splice donor variant.
Genome position (GRCh38, 1-based): chr10:104,045,756, A>G on the plus strand (T>C on the coding strand, the complement: COL17A1 is on the minus strand). VCF-style: chr10-104045756-A-G. GRCh37 (hg19) VCF-style: chr10-105805514-A-G.
Identifiers: ClinVar variation 2834707 (VCV002834707.4), dbSNP rs2493312925, ClinGen allele CA378068818.

ClinVar aggregate classification (germline): Likely pathogenic. Review status: criteria provided, multiple submitters, no conflicts (2 of 4 stars). 2 submissions from 2 submitters: Likely pathogenic (2). Last evaluated 2024-02-14.

Conditions:
Epithelial recurrent erosion dystrophy (ERED). Also called: CORNEAL EROSIONS, RECURRING HEREDITARY. Identifiers: Orphanet 293381, MedGen C1852551, MONDO:0007381, OMIM 122400.
Epidermolysis bullosa, junctional 4, intermediate. Also called: Epidermolysis bullosa, junctional, localisata variant; EPIDERMOLYSIS BULLOSA, JUNCTIONAL 4, NON-HERLITZ TYPE; EPIDERMOLYSIS BULLOSA, GENERALIZED ATROPHIC BENIGN. Identifiers: MedGen C2608084, MONDO:0030750, OMIM 619787.

Allele frequency attached by ClinVar (database versions not stated): gnomAD exomes below 0.00001.
gnomAD v4.1: 1 of 1,610,394 alleles (0.000062%); highest among the groups gnomAD compares: Non-Finnish European, 0.000085%; no homozygotes.

Submissions (2):

Fulgent Genetics
Classification: Likely pathogenic for Epithelial recurrent erosion dystrophy; Epidermolysis bullosa, junctional 4, intermediate. Last evaluated: 2024-02-14. Review status: criteria provided, single submitter. Criteria: ACMG Guidelines, 2015. Collection method: clinical testing. Allele origin: germline.

Labcorp Genetics (formerly Invitae), Labcorp
Classification: Likely pathogenic. Last evaluated: 2023-02-18. Review status: criteria provided, single submitter. Criteria: Invitae Variant Classification Sherloc (09022015). Collection method: clinical testing. Allele origin: germline.
Comment: In summary, the currently available evidence indicates that the variant is pathogenic, but additional data are needed to prove that conclusively. Therefore, this variant has been classified as Likely Pathogenic. Algorithms developed to predict the effect of sequence changes on RNA splicing suggest that this variant may disrupt the consensus splice site. This variant has not been reported in the literature in individuals affected with COL17A1-related conditions. This variant is not present in population databases (gnomAD no frequency). This sequence change affects a donor splice site in intron 33 of the COL17A1 gene. It is expected to disrupt RNA splicing. Variants that disrupt the donor or acceptor splice site typically lead to a loss of protein function (PMID: 16199547), and loss-of-function variants in COL17A1 are known to be pathogenic (PMID: 16473856, 17344927, 20301304, 21357940, 24319098).

Literature cited by the submitters: PubMed 16199547 (cited by Labcorp Genetics (formerly Invitae), Labcorp); PubMed 16473856 (cited by Labcorp Genetics (formerly Invitae), Labcorp); PubMed 17344927 (cited by Labcorp Genetics (formerly Invitae), Labcorp); PubMed 20301304 (cited by Labcorp Genetics (formerly Invitae), Labcorp); PubMed 21357940 (cited by Labcorp Genetics (formerly Invitae), Labcorp); PubMed 24319098 (cited by Labcorp Genetics (formerly Invitae), Labcorp).